The following is an entry in ClinVar:

ClinVar aggregate classification (germline): Uncertain significance (1 of 4 stars; one submission).

Allele frequency attached by ClinVar (database versions not stated): gnomAD exomes below 0.00001.
gnomAD v4.1: 2 of 1,614,040 alleles (0.00012%); highest among the groups gnomAD compares: Non-Finnish European, 0.00017%; no homozygotes.

Submission:

Labcorp Genetics (formerly Invitae), Labcorp
Classification: Uncertain significance. Last evaluated: 2021-05-17. Review status: criteria provided, single submitter. Criteria: Invitae Variant Classification Sherloc (09022015). Collection method: clinical testing. Allele origin: germline.
Comment: This variant is not present in population databases (ExAC no frequency). This variant has not been reported in the literature in individuals with RP1-related conditions. Algorithms developed to predict the effect of missense changes on protein structure and function output the following: SIFT: "Deleterious"; PolyPhen-2: "Benign"; Align-GVGD: "Class C0". The asparagine amino acid residue is found in multiple mammalian species, suggesting that this missense change does not adversely affect protein function. These predictions have not been confirmed by published functional studies and their clinical significance is uncertain. In summary, the available evidence is currently insufficient to determine the role of this variant in disease. Therefore, it has been classified as a Variant of Uncertain Significance. This sequence change replaces aspartic acid with asparagine at codon 1597 of the RP1 protein (p.Asp1597Asn). The aspartic acid residue is moderately conserved and there is a small physicochemical difference between aspartic acid and asparagine.

NM_006269.2(RP1):c.4789G>A (p.Asp1597Asn)

Gene: RP1 (RP1 axonemal microtubule associated; plus strand). Cytogenetic location: 8q12.1.
Variant type: single nucleotide variant.
Coding change: c.4789G>A on transcript NM_006269.2 (MANE Select); coding-DNA position 4789, G replaced by A.
Protein change: p.Asp1597Asn; replaces aspartic acid 1597 with asparagine.
Molecular consequence: missense variant. On other transcripts: intron variant (1).
Genome position (GRCh38, 1-based): chr8:54,628,671, G>A. VCF-style: chr8-54628671-G-A. GRCh37 (hg19) VCF-style: chr8-55541231-G-A.
Other names: c.787+6383G>A (NM_001375654.1); short protein forms D1597N.
Identifiers: ClinVar variation 1428019 (VCV001428019.8), dbSNP rs2129317830, ClinGen allele CA370983188.